The following is an entry in ClinVar:

ClinVar aggregate classification (germline): Conflicting classifications of pathogenicity. Review status: criteria provided, conflicting classifications (1 of 4 stars). 3 submissions from 3 submitters: Uncertain significance (1); Likely benign (2). Last evaluated 2026-04-14.

Conditions:
ADGRV1-related disorder. Also called: ADGRV1-related condition; ADGRV1-related disorders.

Allele frequency attached by ClinVar (database versions not stated): gnomAD exomes below 0.00001.
gnomAD v4.1: 2 of 1,605,778 alleles (0.00012%); highest among the groups gnomAD compares: Non-Finnish European, 0.000085%; no homozygotes.

Submissions (3):

PreventionGenetics, part of Exact Sciences
Classification: Likely benign for ADGRV1-related condition. Last evaluated: 2026-04-14. Review status: criteria provided, single submitter. Criteria: ACMG Guidelines, 2015. Collection method: clinical testing. Allele origin: germline.
Comment: This variant is classified as likely benign based on ACMG/AMP sequence variant interpretation guidelines (Richards et al. 2015 PMID: 25741868, with internal and published modifications).

Labcorp Genetics (formerly Invitae), Labcorp
Classification: Likely benign. Last evaluated: 2024-12-30. Review status: criteria provided, single submitter. Criteria: Invitae Variant Classification Sherloc (09022015). Collection method: clinical testing. Allele origin: germline.

Eurofins Ntd Llc (ga)
Classification: Uncertain significance. Last evaluated: 2014-08-19. Review status: criteria provided, single submitter. Criteria: EGL Classification Definitions 2015. Collection method: clinical testing. Allele origin: germline. Observed: 1 variant allele, 1 heterozygote.

NM_032119.4(ADGRV1):c.7095G>A (p.Leu2365=)

Gene: ADGRV1 (adhesion G protein-coupled receptor V1; plus strand). Cytogenetic location: 5q14.3.
Variant type: single nucleotide variant.
Coding change: c.7095G>A on transcript NM_032119.4 (MANE Select); coding-DNA position 7095, G replaced by A.
Protein change: p.Leu2365=; no amino-acid change (leucine 2365 retained).
Molecular consequence: synonymous variant. On other transcripts: non-coding transcript variant (1).
Genome position (GRCh38, 1-based): chr5:90,692,748, G>A. VCF-style: chr5-90692748-G-A. GRCh37 (hg19) VCF-style: chr5-89988565-G-A.
Other names: c.7095G>A (NM_032119.3).
Identifiers: ClinVar variation 196797 (VCV000196797.9), dbSNP rs794727564, ClinGen allele CA244177.